The following is an entry in ClinVar:

ClinVar aggregate classification (germline): Uncertain significance (1 of 4 stars; one submission).

Conditions:
Familial focal epilepsy with variable foci (FPEVF). Identifiers: Orphanet 98820, MedGen C1858477, MONDO:0020310.

Submission:

Labcorp Genetics (formerly Invitae), Labcorp
Classification: Uncertain significance for Familial focal epilepsy with variable foci. Last evaluated: 2025-12-15. Review status: criteria provided, single submitter. Criteria: Invitae Variant Classification Sherloc (09022015). Collection method: clinical testing. Allele origin: germline.
Comment: This sequence change replaces glutamine, which is neutral and polar, with leucine, which is neutral and non-polar, at codon 1146 of the DEPDC5 protein (p.Gln1146Leu). This variant is not present in population databases (gnomAD no frequency). This variant has not been reported in the literature in individuals affected with DEPDC5-related conditions. Experimental studies and prediction algorithms are not available or were not evaluated, and the functional significance of this variant is currently unknown. In summary, the available evidence is currently insufficient to determine the role of this variant in disease. Therefore, it has been classified as a Variant of Uncertain Significance.

NM_001242896.3(DEPDC5):c.3437A>T (p.Gln1146Leu)

Gene: DEPDC5 (DEP domain containing 5, GATOR1 subcomplex subunit; plus strand). Cytogenetic location: 22q12.3.
Variant type: single nucleotide variant.
Coding change: c.3437A>T on transcript NM_001242896.3 (MANE Select); coding-DNA position 3437, A replaced by T.
Protein change: p.Gln1146Leu; replaces glutamine 1146 with leucine.
Molecular consequence: missense variant. On other transcripts: non-coding transcript variant (5).
Genome position (GRCh38, 1-based): chr22:31,870,696, A>T. VCF-style: chr22-31870696-A-T. GRCh37 (hg19) VCF-style: chr22-32266682-A-T.
Other names: c.3410A>T, p.Gln1137Leu (NM_001136029.4); c.3137A>T, p.Gln1046Leu (NM_001242897.2); c.3371A>T, p.Gln1124Leu (NM_001363852.2, NM_001364320.2); c.3203A>T, p.Gln1068Leu (NM_001363854.2, NM_001364319.2); c.3437A>T, p.Gln1146Leu (NM_001364318.2); c.3353A>T, p.Gln1118Leu (NM_001369901.1, NM_001369902.1); c.3344A>T, p.Gln1115Leu (NM_001369903.1, NM_014662.6); short protein forms Q1068L, Q1124L, Q1115L, Q1118L, Q1046L, Q1146L, Q1137L.
Identifiers: ClinVar variation 4753706 (VCV004753706.1).